The following is an entry in ClinVar:

NM_025114.4(CEP290):c.2277T>G (p.Val759=)

Gene: CEP290 (centrosomal protein 290; minus strand). Cytogenetic location: 12q21.32.
Variant type: single nucleotide variant.
Coding change: c.2277T>G on transcript NM_025114.4 (MANE Select); coding-DNA position 2277, T replaced by G.
Protein change: p.Val759=; no amino-acid change (valine 759 retained).
Molecular consequence: synonymous variant.
Genome position (GRCh38, 1-based): chr12:88,111,292, A>C on the plus strand (T>G on the coding strand, the complement: CEP290 is on the minus strand). VCF-style: chr12-88111292-A-C. GRCh37 (hg19) VCF-style: chr12-88505069-A-C.
Identifiers: ClinVar variation 5001627 (VCV005001627.1).

ClinVar aggregate classification (germline): Likely benign (1 of 4 stars; one submission).

Conditions:
CEP290-related disorder. Also called: CEP290-related condition; CEP290-related disorders. Identifiers: MedGen CN239314.

Submission:

PreventionGenetics, part of Exact Sciences
Classification: Likely benign for CEP290-related condition. Last evaluated: 2024-12-16. Review status: criteria provided, single submitter. Criteria: ACMG Guidelines, 2015. Collection method: clinical testing. Allele origin: germline.
Comment: This variant is classified as likely benign based on ACMG/AMP sequence variant interpretation guidelines (Richards et al. 2015 PMID: 25741868, with internal and published modifications).